The following is an entry in ClinVar:

ClinVar aggregate classification (germline): Uncertain significance (1 of 4 stars; one submission).

Conditions:
Severe combined immunodeficiency, autosomal recessive, T cell-negative, B cell-negative, NK cell-positive. Also called: SCID, T CELL-NEGATIVE, B CELL-NEGATIVE, NK CELL-POSITIVE; SCID, AR, T-cell negative, B-cell negative, NK cell-positive; Severe combined immunodeficiency due to complete RAG1/2 deficiency. Identifiers: Orphanet 331206, MedGen C1832322, MONDO:0011086, OMIM 601457.
Combined immunodeficiency with skin granulomas. Identifiers: Orphanet 157949, MedGen C2673536, MONDO:0009306, OMIM 233650.

Allele frequency attached by ClinVar (database versions not stated): gnomAD exomes below 0.00001.
gnomAD v4.1: 2 of 1,614,110 alleles (0.00012%); highest among the groups gnomAD compares: Non-Finnish European, 0.00017%; no homozygotes.

Submission:

Labcorp Genetics (formerly Invitae), Labcorp
Classification: Uncertain significance for Combined immunodeficiency with skin granulomas; Severe combined immunodeficiency, autosomal recessive, T cell-negative, B cell-negative, NK cell-positive. Last evaluated: 2022-09-13. Review status: criteria provided, single submitter. Criteria: Invitae Variant Classification Sherloc (09022015). Collection method: clinical testing. Allele origin: germline.
Comment: In summary, the available evidence is currently insufficient to determine the role of this variant in disease. Therefore, it has been classified as a Variant of Uncertain Significance. Algorithms developed to predict the effect of sequence changes on RNA splicing suggest that this variant may create or strengthen a splice site. Advanced modeling of protein sequence and biophysical properties (such as structural, functional, and spatial information, amino acid conservation, physicochemical variation, residue mobility, and thermodynamic stability) performed at Invitae indicates that this missense variant is expected to disrupt RAG2 protein function. This variant has not been reported in the literature in individuals affected with RAG2-related conditions. This variant is not present in population databases (gnomAD no frequency). This sequence change replaces glycine, which is neutral and non-polar, with valine, which is neutral and non-polar, at codon 158 of the RAG2 protein (p.Gly158Val).

NM_000536.4(RAG2):c.473G>T (p.Gly158Val)

Gene: RAG2 (recombination activating 2; minus strand). Cytogenetic location: 11p12.
Variant type: single nucleotide variant.
Coding change: c.473G>T on transcript NM_000536.4 (MANE Select); coding-DNA position 473, G replaced by T.
Protein change: p.Gly158Val; replaces glycine 158 with valine.
Molecular consequence: missense variant.
Genome position (GRCh38, 1-based): chr11:36,593,696, C>A on the plus strand (G>T on the coding strand, the complement: RAG2 is on the minus strand). VCF-style: chr11-36593696-C-A. GRCh37 (hg19) VCF-style: chr11-36615246-C-A.
Other names: c.473G>T, p.Gly158Val (NM_001243785.2, NM_001243786.2); short protein forms G158V.
Identifiers: ClinVar variation 2143289 (VCV002143289.2), dbSNP rs2494796199, ClinGen allele CA380142907.